The following is an entry in ClinVar:

ClinVar aggregate classification (germline): Likely pathogenic (1 of 4 stars; one submission).

Conditions:
Neuronal ceroid lipofuscinosis 7 (CLN7). Also called: MFSD8-Related Neuronal Ceroid-Lipofuscinosis. Identifiers: Orphanet 168491, Orphanet 228366, MedGen C1838571, MONDO:0012588, OMIM 610951.

Allele frequency attached by ClinVar (database versions not stated): gnomAD exomes below 0.00001.

Submission:

Labcorp Genetics (formerly Invitae), Labcorp
Classification: Likely pathogenic for Neuronal ceroid lipofuscinosis 7. Last evaluated: 2023-10-29. Review status: criteria provided, single submitter. Criteria: Invitae Variant Classification Sherloc (09022015). Collection method: clinical testing. Allele origin: germline.
Comment: This sequence change affects the initiator methionine of the MFSD8 mRNA. The next in-frame methionine is located at codon 46. This variant is not present in population databases (gnomAD no frequency). Disruption of the initiator codon has been observed in individual(s) with MFSD8-related conditions (PMID: 19177532, 32037395). In at least one individual the data is consistent with being in trans (on the opposite chromosome) from a pathogenic variant. ClinVar contains an entry for this variant (Variation ID: 2108239). In summary, the currently available evidence indicates that the variant is pathogenic, but additional data are needed to prove that conclusively. Therefore, this variant has been classified as Likely Pathogenic.

Literature cited by the submitters: PubMed 19177532; PubMed 32037395.

NM_001371596.2(MFSD8):c.1A>G (p.Met1Val)

Gene: MFSD8 (major facilitator superfamily domain containing 8; minus strand). Cytogenetic location: 4q28.2.
Variant type: single nucleotide variant.
Coding change: c.1A>G on transcript NM_001371596.2 (MANE Select); coding-DNA position 1, A replaced by G.
Protein change: p.Met1Val; changes the start codon (methionine 1).
Molecular consequence: missense variant, initiator codon variant. On other transcripts: 5 prime UTR variant (1), intron variant (2).
Genome position (GRCh38, 1-based): chr4:127,965,133, T>C on the plus strand (A>G on the coding strand, the complement: MFSD8 is on the minus strand). VCF-style: chr4-127965133-T-C. GRCh37 (hg19) VCF-style: chr4-128886288-T-C.
Other names: c.1A>G, p.Met1Val (NM_001371593.2, NM_001371594.2, NM_001410766.1 and 5 more transcripts); c.-133A>G (NM_001371595.1); c.-74+764A>G (NM_001410765.1, NM_001371590.2); short protein forms M1V.
Identifiers: ClinVar variation 2108239 (VCV002108239.5), dbSNP rs1553957829, ClinGen allele CA358166009.
Genomic context (GRCh38, chr4:127,965,133, plus strand): 5'-TGCTTCCAGGTGTGTCGCCTAAGAGCGGCTCCTGTTCACTTTCGTTCCGCAGGCCGGCCA[T>C]AGTTACACTCCCTACAAGGCGTCTTGCGCCCAACTCTCGCGACACCTGCTTTCTCCCATC-3'
Protein context (NP_001358525.1, residues 1-11): [Met1Val]AGLRNESEQE